The following is an entry in ClinVar:

NM_002206.3(ITGA7):c.482G>T (p.Gly161Val)

Gene: ITGA7 (integrin subunit alpha 7; minus strand). Cytogenetic location: 12q13.2.
Variant type: single nucleotide variant.
Coding change: c.482G>T on transcript NM_002206.3 (MANE Select); coding-DNA position 482, G replaced by T.
Protein change: p.Gly161Val; replaces glycine 161 with valine.
Molecular consequence: missense variant. On other transcripts: 5 prime UTR variant (1).
Genome position (GRCh38, 1-based): chr12:55,701,087, C>A on the plus strand (G>T on the coding strand, the complement: ITGA7 is on the minus strand). VCF-style: chr12-55701087-C-A. GRCh37 (hg19) VCF-style: chr12-56094871-C-A.
Other names: c.482G>T, p.Gly161Val (NM_001144996.2, NM_001374465.1, NM_001410977.1 and 5 more transcripts); c.191G>T, p.Gly64Val (NM_001144997.2); c.143G>T, p.Gly48Val (NM_001367993.1, NM_001414035.1); c.-691G>T (NM_001367994.1); short protein forms G161V, G48V, G64V.
Identifiers: ClinVar variation 1700355 (VCV001700355.2), dbSNP rs2136056460, ClinGen allele CA385192355.
Genomic context (GRCh38, chr12:55,701,087, plus strand): 5'-CATTCCCCACCATCCAACTCATCCCGGATGGCCAGGTCCTGGCTGAGCACAAAGCAGCGA[C>A]CAATCATATCCCGCGTCTCCAGGATCTGGTCCACTCGCTGCCTTGCCTCATATCGGTGTG-3'
Protein context (NP_002197.2, residues 151-171): DQILETRDMI[Gly161Val]RCFVLSQDLA

ClinVar aggregate classification (germline): Uncertain significance (1 of 4 stars; one submission).

Submission:

GeneDx
Classification: Uncertain significance. Last evaluated: 2022-02-01. Review status: criteria provided, single submitter. Criteria: GeneDx Variant Classification Process June 2021. Collection method: clinical testing. Allele origin: germline. Affected: yes.
Comment: Not observed at significant frequency in large population cohorts (gnomAD); In silico analysis supports that this missense variant has a deleterious effect on protein structure/function; Has not been previously published as pathogenic or benign to our knowledge